The following is an entry in ClinVar:

ClinVar aggregate classification (germline): Conflicting classifications of pathogenicity. Review status: criteria provided, conflicting classifications (1 of 4 stars). 12 submissions from 12 submitters: Uncertain significance (5); Likely benign (5). 2 of the submissions do not count toward it. Last evaluated 2026-05-11.

Conditions:
TTN-related disorder. Also called: TTN-related condition; TTN-related disease; TTN-related disorders.
Cardiovascular phenotype. Identifiers: MedGen CN230736.
Autosomal recessive limb-girdle muscular dystrophy type 2J (LGMDR10). Also called: Limb-girdle muscular dystrophy, type 2J; MUSCULAR DYSTROPHY, LIMB-GIRDLE, AUTOSOMAL RECESSIVE 10. Identifiers: Orphanet 140922, MedGen C1837342, MONDO:0012127, OMIM 608807.
Dilated cardiomyopathy 1G (CMD1G). Identifiers: Orphanet 154, MedGen C1858763, MONDO:0011400, OMIM 604145.

Submissions (12):

PreventionGenetics, part of Exact Sciences
Classification: Uncertain significance for TTN-related condition. Last evaluated: 2026-05-11. Review status: criteria provided, single submitter. Criteria: ACMG Guidelines, 2015. Collection method: clinical testing. Allele origin: germline.
Comment: The TTN c.593_595delAAG variant is predicted to result in an in-frame deletion (p.Glu198del). This variant was reported in an individual with an Ebstein anomaly heart defect (Sicko et al. 2016. PubMed ID: 27788187). This variant is reported in 0.032% of alleles in individuals of African descent in gnomAD. At this time, the clinical significance of this variant is uncertain due to the absence of conclusive functional and genetic evidence.

Women's Health and Genetics/Laboratory Corporation of America, LabCorp
Classification: Uncertain significance. Last evaluated: 2026-01-05. Review status: criteria provided, single submitter. Criteria: LabCorp Variant Classification Summary - May 2015. Collection method: clinical testing. Allele origin: germline.
Comment: Variant summary: TTN c.593_595delAAG (p.Glu198del) results in an in-frame deletion that is predicted to remove 1 amino acid from the encoded protein. The variant allele was found at a frequency of 9.2e-05 in 251226 control chromosomes. This frequency is not significantly higher than estimated for disease-causing variants in TTN, allowing no conclusion about variant significance. To our knowledge, no occurrence of c.593_595delAAG in individuals affected with TTN-related conditions and no experimental evidence demonstrating its impact on protein function have been reported. The following publications have been ascertained in the context of this evaluation (PMID: 22763267, 27788187). ClinVar contains an entry for this variant (Variation ID: 229496). Based on the evidence outlined above, the variant was classified as uncertain significance.

CeGaT Center for Human Genetics Tuebingen
Classification: Likely benign. Last evaluated: 2025-11-01. Review status: criteria provided, single submitter. Criteria: CeGaT Center For Human Genetics Tuebingen Variant Classification Criteria Version 2. Collection method: clinical testing. Allele origin: germline. Affected: yes. Observed: 1 variant allele.
Comment: TTN: PM4:Supporting, BS2

Revvity Omics, Revvity
Classification: Uncertain significance. Last evaluated: 2021-05-18. Review status: criteria provided, single submitter. Criteria: ACMG Guidelines, 2015. Collection method: clinical testing. Allele origin: germline.

Ambry Genetics
Classification: Likely benign for Cardiovascular phenotype. Last evaluated: 2019-08-22. Review status: criteria provided, single submitter. Criteria: Ambry Variant Classification Scheme 2023. Collection method: clinical testing. Allele origin: germline.

GeneDx
Classification: Likely benign. Last evaluated: 2018-12-06. Review status: criteria provided, single submitter. Criteria: GeneDx Variant Classification Process June 2021. Collection method: clinical testing. Allele origin: germline. Affected: yes.
Comment: This variant is associated with the following publications: (PMID: 27788187)

Laboratory for Molecular Medicine, Mass General Brigham Personalized Medicine
Classification: Likely benign. Last evaluated: 2017-11-17. Review status: criteria provided, single submitter. Criteria: LMM Criteria. Collection method: clinical testing. Allele origin: germline. Observed: 3 variant alleles.
Comment: In addition, this variant is not expected to alter the no rmal reading frame of the protein and the glutamic acid (Glu) residue at amino a cid position 198 of TTN is poorly conserved across most mammals and distant spec ies. The variant was also identified in 0.04% (11/30778) of South Asian (includi ng a homozygote individual) and 0.03% (8/24018) of African chromosomes by the Ge nome Aggregation Database (gnomAD; dbSNP rs749 520121). ACMG/AMP Criteria applied: BS2, BP4, BP5.

Labcorp Genetics (formerly Invitae), Labcorp
Classification: Uncertain significance for Dilated cardiomyopathy 1G; Autosomal recessive limb-girdle muscular dystrophy type 2J. Last evaluated: 2017-10-05. Review status: criteria provided, single submitter. Criteria: Invitae Variant Classification Sherloc (09022015). Collection method: clinical testing. Allele origin: germline.

Eurofins Ntd Llc (ga)
Classification: Uncertain significance. Last evaluated: 2017-01-04. Review status: criteria provided, single submitter. Criteria: EGL Classification Definitions 2015. Collection method: clinical testing. Allele origin: germline. Observed: 1 variant allele, 1 heterozygote.

Molecular Diagnostic Laboratory for Inherited Cardiovascular Disease, Montreal Heart Institute
Classification: Likely benign. Review status: criteria provided, single submitter. Criteria: ACMG Guidelines, 2015. Collection method: clinical testing. Allele origin: germline. Affected: yes.

Clinical Genetics DNA and cytogenetics Diagnostics Lab, Erasmus MC, Erasmus Medical Center
Classification: Uncertain significance. Review status: no assertion criteria provided. Collection method: clinical testing. Allele origin: germline. Affected: yes. Study: VKGL Data-share Consensus. Not counted in ClinVar's aggregate classification.

Laboratory of Diagnostic Genome Analysis, Leiden University Medical Center (LUMC)
Classification: Uncertain significance. Review status: no assertion criteria provided. Collection method: clinical testing. Allele origin: germline. Affected: yes. Study: VKGL Data-share Consensus. Not counted in ClinVar's aggregate classification.

Literature cited by the submitters: PubMed 22763267 (cited by 3 submitters); PubMed 27788187 (cited by Women's Health and Genetics/Laboratory Corporation of America, LabCorp and Ambry Genetics).

NM_001267550.2(TTN):c.587AAG[2] (p.Glu198del)

Gene: TTN (titin; minus strand). Cytogenetic location: 2q31.2.
Variant type: Microsatellite.
Coding change: c.587AAG[2] on transcript NM_001267550.2 (MANE Select); two copies in a row of the 3-base unit AAG starting at c.587; the reference has three copies in a row; one copy, 3 bases deleted; also written c.593_595del.
Protein change: p.Glu198del; deletes glutamic acid 198.
Molecular consequence: inframe deletion.
Genome position (GRCh38, 1-based): chr2:178,799,899-178,799,901, CTT deleted on the plus strand (AAG on the coding strand, the reverse complement: TTN is on the minus strand); deleting any 3 consecutive bases within chr2:178,799,899-178,799,908 gives the same sequence; the position shown is the placement nearest the transcript's 3' end. VCF-style (leftmost placement, unchanged base first): chr2-178799898-ACTT-A. GRCh37 (hg19) VCF-style: chr2-179664625-ACTT-A.
Other names: c.587AAG[2], p.Glu198del (NM_001256850.1, NM_003319.4, NM_133378.4 and 3 more transcripts); c.593_595del (NM_001267550.2, NM_133378.4, NM_001256850.1); c.593_595delAAG (NM_003319.4, NM_133378.4, NM_001267550.2); short protein forms E198del.
Identifiers: ClinVar variation 229496 (VCV000229496.31), dbSNP rs771898264, ClinGen allele CA2006278.